The following is an entry in ClinVar:

ClinVar aggregate classification (germline): Uncertain significance. Review status: criteria provided, multiple submitters, no conflicts (2 of 4 stars). 2 submissions from 2 submitters: Uncertain significance (2). Last evaluated 2025-12-15.

Allele frequency attached by ClinVar (database versions not stated): gnomAD exomes 0.00001; TOPMed 0.00001.
gnomAD v4.1: 13 of 1,614,050 alleles (0.00081%); highest among the groups gnomAD compares: Non-Finnish European, 0.001%; no homozygotes.

Submissions (2):

Labcorp Genetics (formerly Invitae), Labcorp
Classification: Uncertain significance. Last evaluated: 2025-12-15. Review status: criteria provided, single submitter. Criteria: Invitae Variant Classification Sherloc (09022015). Collection method: clinical testing. Allele origin: germline.
Comment: This sequence change replaces arginine, which is basic and polar, with cysteine, which is neutral and slightly polar, at codon 296 of the ARIH1 protein (p.Arg296Cys). This variant is present in population databases (no rsID available, gnomAD 0.002%). This variant has not been reported in the literature in individuals affected with ARIH1-related conditions. ClinVar contains an entry for this variant (Variation ID: 1918830). An algorithm developed to predict the effect of missense changes on protein structure and function (PolyPhen-2) suggests that this variant is likely to be disruptive. In summary, the available evidence is currently insufficient to determine the role of this variant in disease. Therefore, it has been classified as a Variant of Uncertain Significance.

Ambry Genetics
Classification: Uncertain significance. Last evaluated: 2021-08-02. Review status: criteria provided, single submitter. Criteria: Ambry Variant Classification Scheme 2023. Collection method: clinical testing. Allele origin: germline.

NM_005744.5(ARIH1):c.886C>T (p.Arg296Cys)

Gene: ARIH1 (ariadne RBR E3 ubiquitin protein ligase 1; plus strand). Cytogenetic location: 15q24.1.
Variant type: single nucleotide variant.
Coding change: c.886C>T on transcript NM_005744.5 (MANE Select); coding-DNA position 886, C replaced by T.
Protein change: p.Arg296Cys; replaces arginine 296 with cysteine.
Molecular consequence: missense variant.
Genome position (GRCh38, 1-based): chr15:72,563,475, C>T. VCF-style: chr15-72563475-C-T. GRCh37 (hg19) VCF-style: chr15-72855816-C-T.
Other names: short protein forms R296C.
Identifiers: ClinVar variation 1918830 (VCV001918830.6), dbSNP rs1259128502, ClinGen allele CA393240585.
Genomic context (GRCh38, chr15:72,563,475, plus strand): 5'-TGTCCTGCCCCAGATTGCCACCATGTTGTTAAAGTCCAATATCCTGATGCTAAACCTGTT[C>T]GCTGCAAATGTGGGCGCCAATTTTGGTAAGCAAGTGATTTCCTAAATTGAAATAGTGCAC-3'
Protein context (NP_005735.2, residues 286-306): KVQYPDAKPV[Arg296Cys]CKCGRQFCFN